The following is an entry in ClinVar:

NM_182916.3(TRNT1):c.1178T>A (p.Ile393Asn)

Gene: TRNT1 (tRNA nucleotidyl transferase 1; plus strand). Cytogenetic location: 3p26.2.
Variant type: single nucleotide variant.
Coding change: c.1178T>A on transcript NM_182916.3 (MANE Select); coding-DNA position 1178, T replaced by A.
Protein change: p.Ile393Asn; replaces isoleucine 393 with asparagine.
Molecular consequence: missense variant. On other transcripts: non-coding transcript variant (8).
Genome position (GRCh38, 1-based): chr3:3,148,027, T>A. VCF-style: chr3-3148027-T-A. GRCh37 (hg19) VCF-style: chr3-3189711-T-A.
Other names: c.1118T>A, p.Ile373Asn (NM_001302946.2); c.1178T>A, p.Ile393Asn (NM_001367321.1, NM_001367322.1, NM_001367323.1); short protein forms I373N, I393N.
Identifiers: ClinVar variation 2144615 (VCV002144615.4), dbSNP rs1029132806, ClinGen allele CA68735175.

ClinVar aggregate classification (germline): Uncertain significance (1 of 4 stars; one submission).

Conditions:
Congenital sideroblastic anemia-B-cell immunodeficiency-periodic fever-developmental delay syndrome. Also called: Sideroblastic anemia with B-cell immunodeficiency, periodic fevers, and developmental delay. Identifiers: Orphanet 369861, MedGen C4015172, MONDO:0014487, OMIM 616084.

Allele frequency attached by ClinVar (database versions not stated): TOPMed below 0.00001; gnomAD 0.00001.
gnomAD v4.1: 2 of 1,613,796 alleles (0.00012%); highest among the groups gnomAD compares: Non-Finnish European, 0.00017%; no homozygotes.

Submission:

Labcorp Genetics (formerly Invitae), Labcorp
Classification: Uncertain significance for Congenital sideroblastic anemia-B-cell immunodeficiency-periodic fever-developmental delay syndrome. Last evaluated: 2024-01-02. Review status: criteria provided, single submitter. Criteria: Invitae Variant Classification Sherloc (09022015). Collection method: clinical testing. Allele origin: germline.
Comment: This sequence change replaces isoleucine, which is neutral and non-polar, with asparagine, which is neutral and polar, at codon 393 of the TRNT1 protein (p.Ile393Asn). This variant is present in population databases (no rsID available, gnomAD 0.01%). This variant has not been reported in the literature in individuals affected with TRNT1-related conditions. ClinVar contains an entry for this variant (Variation ID: 2144615). Advanced modeling of protein sequence and biophysical properties (such as structural, functional, and spatial information, amino acid conservation, physicochemical variation, residue mobility, and thermodynamic stability) performed at Invitae indicates that this missense variant is not expected to disrupt TRNT1 protein function with a negative predictive value of 80%. In summary, the available evidence is currently insufficient to determine the role of this variant in disease. Therefore, it has been classified as a Variant of Uncertain Significance.